The following is an entry in ClinVar:

NM_194248.3(OTOF):c.926C>T (p.Pro309Leu)

Gene: OTOF (otoferlin; minus strand). Cytogenetic location: 2p23.3.
Variant type: single nucleotide variant.
Coding change: c.926C>T on transcript NM_194248.3 (MANE Select); coding-DNA position 926, C replaced by T.
Protein change: p.Pro309Leu; replaces proline 309 with leucine.
Molecular consequence: missense variant.
Genome position (GRCh38, 1-based): chr2:26,489,712, G>A on the plus strand (C>T on the coding strand, the complement: OTOF is on the minus strand). VCF-style: chr2-26489712-G-A. GRCh37 (hg19) VCF-style: chr2-26712580-G-A.
Other names: c.926C>T, p.Pro309Leu (NM_001287489.2); short protein forms P309L.
Identifiers: ClinVar variation 1544987 (VCV001544987.14), dbSNP rs574070900, ClinGen allele CA1564451.

ClinVar aggregate classification (germline): Benign/Likely benign. Review status: criteria provided, multiple submitters, no conflicts (2 of 4 stars). 2 submissions from 2 submitters: Benign (1); Likely benign (1). Last evaluated 2025-12-02.

Allele frequency attached by ClinVar (database versions not stated): TOPMed 0.00001; gnomAD 0.00006; gnomAD exomes 0.00008 and 0.00024; ExAC 0.00023; 1000 Genomes Project 30x 0.00031; 1000 Genomes Project 0.00040.
gnomAD v4.1: 129 of 1,612,934 alleles (0.008%); highest among the groups gnomAD compares: South Asian, 0.12%; 2 homozygotes.

Submissions (2):

Labcorp Genetics (formerly Invitae), Labcorp
Classification: Benign. Last evaluated: 2025-12-02. Review status: criteria provided, single submitter. Criteria: Invitae Variant Classification Sherloc (09022015). Collection method: clinical testing. Allele origin: germline.

CeGaT Center for Human Genetics Tuebingen
Classification: Likely benign. Last evaluated: 2025-10-01. Review status: criteria provided, single submitter. Criteria: CeGaT Center For Human Genetics Tuebingen Variant Classification Criteria Version 2. Collection method: clinical testing. Allele origin: germline. Affected: yes. Observed: 1 variant allele.
Comment: OTOF: PM2, BS2